The following is an entry in ClinVar:

ClinVar aggregate classification (germline): Pathogenic (1 of 4 stars; one submission).

Conditions:
Gorlin syndrome. Also called: Basal cell nevus syndrome; Nevoid Basal Cell Carcinoma Syndrome. Identifiers: Orphanet 377, MedGen C0004779, MONDO:0007187.
Medulloblastoma (MDB). Also called: MEDULLOBLASTOMA PREDISPOSITION SYNDROME; Medulloblastoma, somatic. Identifiers: Orphanet 616, MedGen C0025149, MeSH D008527, MONDO:0007959, OMIM 155255, HP:0002885.

Submission:

Labcorp Genetics (formerly Invitae), Labcorp
Classification: Pathogenic for Gorlin syndrome; Medulloblastoma. Last evaluated: 2021-09-10. Review status: criteria provided, single submitter. Criteria: Invitae Variant Classification Sherloc (09022015). Collection method: clinical testing. Allele origin: germline.
Comment: For these reasons, this variant has been classified as Pathogenic. This variant has not been reported in the literature in individuals affected with SUFU-related conditions. This variant is not present in population databases (ExAC no frequency). This sequence change creates a premature translational stop signal (p.Pro18Argfs*76) in the SUFU gene. It is expected to result in an absent or disrupted protein product. Loss-of-function variants in SUFU are known to be pathogenic (PMID: 22508808, 25403219).

Literature cited by the submitters: PubMed 22508808; PubMed 25403219.

NM_016169.4(SUFU):c.53_59del (p.Pro18fs)

Genes: SUFU (SUFU negative regulator of hedgehog signaling; plus strand), LOC130004614 (ATAC-STARR-seq lymphoblastoid silent region 2764; plus strand). Cytogenetic location: 10q24.32.
Variant type: Deletion.
Coding change: c.53_59del on transcript NM_016169.4 (MANE Select); coding-DNA positions 53 to 59, 7 bases deleted (CTGGCCC; older notation c.53_59delCTGGCCC).
Protein change: p.Pro18fs; shifts the reading frame from proline 18.
Molecular consequence: frameshift variant.
Genome position (GRCh38, 1-based): chr10:102,504,205-102,504,211, CTGGCCC deleted; deleting any 7 consecutive bases within chr10:102,504,200-102,504,211 gives the same sequence; the c. name uses the placement nearest the transcript's 3' end. VCF-style (leftmost placement, unchanged base first): chr10-102504199-CGGCCCCT-C. GRCh37 (hg19) VCF-style: chr10-104263956-CGGCCCCT-C.
Other names: c.53_59del, p.Pro18fs (NM_001178133.2); short protein forms P18fs.
Identifiers: ClinVar variation 1373805 (VCV001373805.6), dbSNP rs2135597558, ClinGen allele CA2573145476.